The following is an entry in ClinVar:

NM_003673.4(TCAP):c.1A>T (p.Met1Leu)

Gene: TCAP (titin-cap; plus strand). Cytogenetic location: 17q12.
Variant type: single nucleotide variant.
Coding change: c.1A>T on transcript NM_003673.4 (MANE Select); coding-DNA position 1, A replaced by T.
Protein change: p.Met1Leu; changes the start codon (methionine 1).
Molecular consequence: missense variant, initiator codon variant.
Genome position (GRCh38, 1-based): chr17:39,665,360, A>T. VCF-style: chr17-39665360-A-T. GRCh37 (hg19) VCF-style: chr17-37821613-A-T.
Other names: short protein forms M1L.
Identifiers: ClinVar variation 3752172 (VCV003752172.2).

ClinVar aggregate classification (germline): Likely pathogenic (1 of 4 stars; one submission).

Conditions:
Primary familial hypertrophic cardiomyopathy (HCM). Identifiers: Orphanet 99739, MedGen C0949658, MeSH D024741, MONDO:0024573. Inheritance: Various modes of inheritance.
Hypertrophic cardiomyopathy 25 (CMH25). Also called: CARDIOMYOPATHY, FAMILIAL HYPERTROPHIC, 25. Identifiers: MedGen C4225408, MONDO:0011843, OMIM 607487.

Submission:

Labcorp Genetics (formerly Invitae), Labcorp
Classification: Likely pathogenic for Hypertrophic cardiomyopathy 25; Primary familial hypertrophic cardiomyopathy. Last evaluated: 2025-02-10. Review status: criteria provided, single submitter. Criteria: Invitae Variant Classification Sherloc (09022015). Collection method: clinical testing. Allele origin: germline.
Comment: This sequence change affects the initiator methionine of the TCAP mRNA. The next in-frame methionine is located at codon 68. This variant is not present in population databases (gnomAD no frequency). Disruption of the initiator codon has been observed in individual(s) with autosomal recessive limb-girdle muscular dystrophy (PMID: 34982307). Algorithms developed to predict the effect of sequence changes on RNA splicing suggest that this variant may create or strengthen a splice site. In summary, the currently available evidence indicates that the variant is pathogenic, but additional data are needed to prove that conclusively. Therefore, this variant has been classified as Likely Pathogenic.

Literature cited by the submitters: PubMed 34982307.